The following is an entry in ClinVar:

ClinVar aggregate classification (germline): Uncertain significance (1 of 4 stars; one submission).

Allele frequency attached by ClinVar (database versions not stated): gnomAD exomes 0.00003.
gnomAD v4.1: 33 of 1,124,161 alleles (0.0029%); highest among the groups gnomAD compares: Non-Finnish European, 0.004%; no homozygotes.

Submission:

Labcorp Genetics (formerly Invitae), Labcorp
Classification: Uncertain significance. Last evaluated: 2023-04-17. Review status: criteria provided, single submitter. Criteria: Invitae Variant Classification Sherloc (09022015). Collection method: clinical testing. Allele origin: germline.
Comment: In summary, the available evidence is currently insufficient to determine the role of this variant in disease. Therefore, it has been classified as a Variant of Uncertain Significance. An algorithm developed to predict the effect of missense changes on protein structure and function (PolyPhen-2) suggests that this variant is likely to be disruptive. ClinVar contains an entry for this variant (Variation ID: 1431313). This variant has not been reported in the literature in individuals affected with GPR143-related conditions. This variant is not present in population databases (gnomAD no frequency). This sequence change replaces glycine, which is neutral and non-polar, with valine, which is neutral and non-polar, at codon 296 of the GPR143 protein (p.Gly296Val).

NM_000273.3(GPR143):c.887G>T (p.Gly296Val)

Gene: GPR143 (G protein-coupled receptor 143; minus strand). Cytogenetic location: Xp22.2.
Variant type: single nucleotide variant.
Coding change: c.887G>T on transcript NM_000273.3 (MANE Select); coding-DNA position 887, G replaced by T.
Protein change: p.Gly296Val; replaces glycine 296 with valine.
Molecular consequence: missense variant.
Genome position (GRCh38, 1-based): chrX:9,739,718, C>A on the plus strand (G>T on the coding strand, the complement: GPR143 is on the minus strand). VCF-style: chrX-9739718-C-A. GRCh37 (hg19) VCF-style: chrX-9707758-C-A.
Other names: short protein forms G296V.
Identifiers: ClinVar variation 1431313 (VCV001431313.8), dbSNP rs2146684322, ClinGen allele CA411995636.